The following is an entry in ClinVar:

ClinVar aggregate classification (germline): Uncertain significance. Review status: criteria provided, multiple submitters, no conflicts (2 of 4 stars). 5 submissions from 5 submitters: Uncertain significance (5). Last evaluated 2026-06-23.

Conditions:
Chuvash polycythemia. Also called: POLYCYTHEMIA, VHL-DEPENDENT. Identifiers: Orphanet 238557, MedGen C1837915, MONDO:0009892, OMIM 263400.
Von Hippel-Lindau syndrome (VHLS). Also called: von Hippel–Lindau syndrome; VHL syndrome; Von Hippel-Lindau. Identifiers: Orphanet 892, MedGen C0019562, MONDO:0008667, OMIM 193300. Disease mechanism: loss of function.
Nonpapillary renal cell carcinoma. Identifiers: Orphanet 422526, MedGen CN074294, MONDO:0007763, OMIM 144700.
Pheochromocytoma. Also called: MAX-Related Hereditary Paraganglioma-Pheochromocytoma Syndrome. Identifiers: Orphanet 29072, MedGen C0031511, MONDO:0008233, OMIM 171300, HP:0002666.
Hereditary cancer-predisposing syndrome. Also called: Neoplastic Syndromes, Hereditary; Hereditary Cancer Syndrome; Hereditary neoplastic syndrome; Tumor predisposition. Identifiers: Orphanet 140162, MedGen C0027672, MeSH D009386, MONDO:0015356.

Allele frequency attached by ClinVar (database versions not stated): gnomAD exomes below 0.00001; TOPMed 0.00003.

Submissions (5):

Ambry Genetics
Classification: Uncertain significance for Hereditary cancer-predisposing syndrome. Last evaluated: 2026-06-23. Review status: criteria provided, single submitter. Criteria: Ambry Variant Classification Scheme 2023. Collection method: clinical testing. Allele origin: germline.
Comment: The c.430G>A (p.G144R) alteration is located in exon 2 (coding exon 2) of the VHL gene. This alteration results from a G to A substitution at nucleotide position 430, causing the glycine (G) at amino acid position 144 to be replaced by an arginine (R). Based on data from gnomAD, the A allele has an overall frequency of <0.001% (1/251494) total alleles studied. The highest observed frequency was 0.006% (1/16256) of African alleles. Based on insufficient or conflicting evidence, the clinical significance of this alteration remains unclear.

Labcorp Genetics (formerly Invitae), Labcorp
Classification: Uncertain significance for Von Hippel-Lindau syndrome; Chuvash polycythemia. Last evaluated: 2025-10-08. Review status: criteria provided, single submitter. Criteria: Invitae Variant Classification Sherloc (09022015). Collection method: clinical testing. Allele origin: germline.
Comment: This sequence change replaces glycine, which is neutral and non-polar, with arginine, which is basic and polar, at codon 144 of the VHL protein (p.Gly144Arg). This variant is present in population databases (no rsID available, gnomAD 0.007%). This missense change has been observed in individual(s) with polycythemia and congenital erythrocytosis (PMID: 15921386, 24115288). ClinVar contains an entry for this variant (Variation ID: 576437). Invitae Evidence Modeling of protein sequence and biophysical properties (such as structural, functional, and spatial information, amino acid conservation, physicochemical variation, residue mobility, and thermodynamic stability) indicates that this missense variant is expected to disrupt VHL protein function with a positive predictive value of 95%. Studies have shown that this missense change is associated with inconclusive levels of altered splicing (internal data). In summary, the available evidence is currently insufficient to determine the role of this variant in disease. Therefore, it has been classified as a Variant of Uncertain Significance.

All of Us Research Program, National Institutes of Health
Classification: Uncertain significance for Von Hippel-Lindau syndrome. Last evaluated: 2024-08-06. Review status: criteria provided, single submitter. Criteria: ACMG Guidelines, 2015. Collection method: clinical testing. Allele origin: germline. Inheritance: Autosomal dominant inheritance. Observed: 2 variant alleles, 2 heterozygotes.
Comment: This missense variant replaces glycine with arginine at codon 144 of the VHL protein. Computational prediction suggests that this variant may have deleterious impact on protein structure and function. To our knowledge, functional studies have not been reported for this variant. This missense change has been observed in individuals affected with polycythemia and congenital erythrocytosis (PMID: 15921386, 24729484, 29891534, 33370224, 37979962). This variant has been identified in 1/251494 chromosomes in the general population by the Genome Aggregation Database (gnomAD). The available evidence is insufficient to determine the role of this variant in disease conclusively. Therefore, this variant is classified as a Variant of Uncertain Significance.

This study involves interpretation of variants in research participants for the purpose of population health screening. Participant phenotype was not available at the time of variant classification. Additional details can be found in publication PMID: 35346344, PMCID: PMC8962531

Color Diagnostics, LLC DBA Color Health
Classification: Uncertain significance for Von Hippel-Lindau syndrome. Last evaluated: 2024-05-21. Review status: criteria provided, single submitter. Criteria: ACMG Guidelines, 2015. Collection method: clinical testing. Allele origin: germline.
Comment: This missense variant replaces glycine with arginine at codon 144 of the VHL protein. Computational prediction suggests that this variant may have deleterious impact on protein structure and function. To our knowledge, functional studies have not been reported for this variant. This missense change has been observed in individuals affected with polycythemia and congenital erythrocytosis (PMID: 15921386, 24729484, 29891534, 33370224, 37979962). This variant has been identified in 1/251494 chromosomes in the general population by the Genome Aggregation Database (gnomAD). The available evidence is insufficient to determine the role of this variant in disease conclusively. Therefore, this variant is classified as a Variant of Uncertain Significance.

Fulgent Genetics
Classification: Uncertain significance for Nonpapillary renal cell carcinoma; Pheochromocytoma; Von Hippel-Lindau syndrome; Chuvash polycythemia. Last evaluated: 2024-04-24. Review status: criteria provided, single submitter. Criteria: ACMG Guidelines, 2015. Collection method: clinical testing. Allele origin: germline.

Literature cited by the submitters: PubMed 15921386 (cited by 3 submitters); PubMed 24115288 (cited by Labcorp Genetics (formerly Invitae), Labcorp); PubMed 24729484 (cited by All of Us Research Program, National Institutes of Health and Color Diagnostics, LLC DBA Color Health); PubMed 29891534 (cited by All of Us Research Program, National Institutes of Health and Color Diagnostics, LLC DBA Color Health); PubMed 33370224 (cited by All of Us Research Program, National Institutes of Health and Color Diagnostics, LLC DBA Color Health); PubMed 37979962 (cited by All of Us Research Program, National Institutes of Health and Color Diagnostics, LLC DBA Color Health).

NM_000551.4(VHL):c.430G>A (p.Gly144Arg)

Genes: VHL (von Hippel-Lindau tumor suppressor; plus strand), LOC107303340 (3p25 von Hippel-Lindau tumor suppressor, E3 ubiquitin protein ligase Alu-mediated recombination region; plus strand). Cytogenetic location: 3p25.3.
Variant type: single nucleotide variant.
Coding change: c.430G>A on transcript NM_000551.4 (MANE Select); coding-DNA position 430, G replaced by A.
Protein change: p.Gly144Arg; replaces glycine 144 with arginine.
Molecular consequence: missense variant. On other transcripts: intron variant (2).
Genome position (GRCh38, 1-based): chr3:10,146,603, G>A. VCF-style: chr3-10146603-G-A. GRCh37 (hg19) VCF-style: chr3-10188287-G-A.
Other names: c.*18-3184G>A (NM_001354723.2); c.341-3184G>A (NM_198156.3); short protein forms G144R.
Identifiers: ClinVar variation 576437 (VCV000576437.16), dbSNP rs869025650, ClinGen allele CA70049557.
Genomic context (GRCh38, chr3:10,146,603, plus strand): 5'-ACACACGATGGGCTTCTGGTTAACCAAACTGAATTATTTGTGCCATCTCTCAATGTTGAC[G>A]GACAGCCTATTTTTGCCAATATCACACTGCCAGGTACTGACGTTTTACTTTTTAAAAAGA-3'
Protein context (NP_000542.1, residues 134-154): ELFVPSLNVD[Gly144Arg]QPIFANITLP